The following is an entry in ClinVar:

ClinVar aggregate classification (germline): Uncertain significance (1 of 4 stars; one submission).

Conditions:
Tuberous sclerosis 1 (TSC1). Identifiers: Orphanet 805, MedGen C1854465, MONDO:0008612, OMIM 191100.

Submission:

Labcorp Genetics (formerly Invitae), Labcorp
Classification: Uncertain significance for Tuberous sclerosis 1. Last evaluated: 2025-10-06. Review status: criteria provided, single submitter. Criteria: Invitae Variant Classification Sherloc (09022015). Collection method: clinical testing. Allele origin: germline.
Comment: This sequence change creates a premature translational stop signal (p.Glu1120Thrfs*38) in the TSC1 gene. While this is not anticipated to result in nonsense mediated decay, it is expected to disrupt the last 45 amino acid(s) of the TSC1 protein. This variant is not present in population databases (gnomAD no frequency). This variant has not been reported in the literature in individuals affected with TSC1-related conditions. ClinVar contains an entry for this variant (Variation ID: 2824502). Experimental studies and prediction algorithms are not available or were not evaluated, and the functional significance of this variant is currently unknown. In summary, the available evidence is currently insufficient to determine the role of this variant in disease. Therefore, it has been classified as a Variant of Uncertain Significance.

NM_000368.5(TSC1):c.3358_3359del (p.Glu1120fs)

Gene: TSC1 (TSC complex subunit 1; minus strand). Cytogenetic location: 9q34.13.
Variant type: Deletion.
Coding change: c.3358_3359del on transcript NM_000368.5 (MANE Select); coding-DNA positions 3358 to 3359, 2 bases deleted (GA; older notation c.3358_3359delGA).
Protein change: p.Glu1120fs; shifts the reading frame from glutamic acid 1120.
Molecular consequence: frameshift variant. On other transcripts: non-coding transcript variant (5).
Genome position (GRCh38, 1-based): chr9:132,896,371-132,896,372, TC deleted on the plus strand (GA on the coding strand, the reverse complement: TSC1 is on the minus strand); deleting any 2 consecutive bases within chr9:132,896,371-132,896,373 gives the same sequence; the c. name uses the placement nearest the transcript's 3' end. VCF-style (leftmost placement, unchanged base first): chr9-132896370-TTC-T. GRCh37 (hg19) VCF-style: chr9-135771757-TTC-T.
Other names: c.3358_3359del, p.Glu1120fs (NM_001406592.1, NM_001406593.1, NM_001406594.1 and 2 more transcripts); c.3355_3356del, p.Glu1119fs (NM_001406597.1, NM_001406598.1, NM_001406599.1 and 2 more transcripts); c.3343_3344del, p.Glu1115fs (NM_001406601.1, NM_001406602.1); c.3340_3341del, p.Glu1114fs (NM_001406603.1, NM_001406604.1); c.3316_3317del, p.Glu1106fs (NM_001406605.1, NM_001406606.1, NM_001406607.1); c.3313_3314del, p.Glu1105fs (NM_001406608.1, NM_001406609.1); c.3205_3206del, p.Glu1069fs (NM_001162427.2, NM_001406610.1); c.2995_2996del, p.Glu999fs (NM_001362177.2, NM_001406619.1, NM_001406614.1 and 4 more transcripts); and 8 more; short protein forms E1115fs, E1120fs, E769fs, E1068fs, E1119fs, E999fs, E1054fs, E1069fs.
Identifiers: ClinVar variation 2824502 (VCV002824502.3), dbSNP rs2538430467, ClinGen allele CA2739265156.